The following is an entry in ClinVar:

NM_002335.4(LRP5):c.2696G>A (p.Arg899His)

Gene: LRP5 (LDL receptor related protein 5; plus strand). Cytogenetic location: 11q13.2.
Variant type: single nucleotide variant.
Coding change: c.2696G>A on transcript NM_002335.4 (MANE Select); coding-DNA position 2696, G replaced by A.
Protein change: p.Arg899His; replaces arginine 899 with histidine.
Molecular consequence: missense variant.
Genome position (GRCh38, 1-based): chr11:68,413,881, G>A. VCF-style: chr11-68413881-G-A. GRCh37 (hg19) VCF-style: chr11-68181349-G-A.
Other names: c.953G>A, p.Arg318His (NM_001291902.2); short protein forms R899H, R318H.
Identifiers: ClinVar variation 1369500 (VCV001369500.9), dbSNP rs1185645450, ClinGen allele CA381618752.

ClinVar aggregate classification (germline): Uncertain significance. Review status: criteria provided, multiple submitters, no conflicts (2 of 4 stars). 2 submissions from 2 submitters: Uncertain significance (2). Last evaluated 2024-02-10.

Conditions:
Exudative vitreoretinopathy 4 (EVR4). Identifiers: Orphanet 891, MedGen C1866176, MONDO:0011151, OMIM 601813.
Bone mineral density quantitative trait locus 1 (BMND1). Identifiers: MedGen C1866079, OMIM 601884.
Worth disease. Also called: ENDOSTEAL HYPEROSTOSIS, AUTOSOMAL DOMINANT; OSTEOSCLEROSIS, AUTOSOMAL DOMINANT; Autosomal dominant osteosclerosis, Worth type. Identifiers: Orphanet 2790, MedGen C0432273, MONDO:0007764, OMIM 144750.
Osteoporosis with pseudoglioma (OPPG). Also called: osteoporosis-pseudoglioma syndrome. Identifiers: Orphanet 2788, MedGen C0432252, MONDO:0009820, OMIM 259770.
Polycystic liver disease 4 with or without kidney cysts. Identifiers: MedGen C4693479, MONDO:0044327, OMIM 617875.
Autosomal dominant osteopetrosis 1 (OPTA1). Also called: OSTEOPETROSIS, AUTOSOMAL DOMINANT, TYPE I. Identifiers: Orphanet 2783, MedGen C1843330, MONDO:0011877, OMIM 607634.

Allele frequency attached by ClinVar (database versions not stated): TOPMed 0.00001.
gnomAD v4.1: 2 of 1,613,066 alleles (0.00012%); highest among the groups gnomAD compares: East Asian, 0.0022%; no homozygotes.

Submissions (2):

Fulgent Genetics
Classification: Uncertain significance for Worth disease; Osteoporosis with pseudoglioma; Exudative vitreoretinopathy 4; Bone mineral density quantitative trait locus 1; Autosomal dominant osteopetrosis 1; Polycystic liver disease 4 with or without kidney cysts. Last evaluated: 2024-02-10. Review status: criteria provided, single submitter. Criteria: ACMG Guidelines, 2015. Collection method: clinical testing. Allele origin: germline.

Labcorp Genetics (formerly Invitae), Labcorp
Classification: Uncertain significance. Last evaluated: 2022-11-02. Review status: criteria provided, single submitter. Criteria: Invitae Variant Classification Sherloc (09022015). Collection method: clinical testing. Allele origin: germline.
Comment: In summary, the available evidence is currently insufficient to determine the role of this variant in disease. Therefore, it has been classified as a Variant of Uncertain Significance. Algorithms developed to predict the effect of missense changes on protein structure and function (SIFT, PolyPhen-2, Align-GVGD) all suggest that this variant is likely to be disruptive. ClinVar contains an entry for this variant (Variation ID: 1369500). This variant has not been reported in the literature in individuals affected with LRP5-related conditions. This variant is not present in population databases (gnomAD no frequency). This sequence change replaces arginine, which is basic and polar, with histidine, which is basic and polar, at codon 899 of the LRP5 protein (p.Arg899His).